The following is an entry in ClinVar:

ClinVar aggregate classification (germline): Uncertain significance (1 of 4 stars; one submission).

gnomAD v4.1: 42 of 1,613,496 alleles (0.0026%); highest among the groups gnomAD compares: South Asian, 0.0077%; no homozygotes.

Submission:

GeneDx
Classification: Uncertain significance. Last evaluated: 2024-09-07. Review status: criteria provided, single submitter. Criteria: GeneDx Variant Classification Process June 2021. Collection method: clinical testing. Allele origin: germline. Affected: yes.
Comment: In silico analysis supports that this missense variant has a deleterious effect on protein structure/function; Has not been previously published as pathogenic or benign to our knowledge

NM_058004.4(PI4KA):c.4901C>T (p.Thr1634Met)

Gene: PI4KA (phosphatidylinositol 4-kinase alpha; minus strand). Cytogenetic location: 22q11.21.
Variant type: single nucleotide variant.
Coding change: c.4901C>T on transcript NM_058004.4 (MANE Select); coding-DNA position 4901, C replaced by T.
Protein change: p.Thr1634Met; replaces threonine 1634 with methionine.
Molecular consequence: missense variant.
Genome position (GRCh38, 1-based): chr22:20,727,270, G>A on the plus strand (C>T on the coding strand, the complement: PI4KA is on the minus strand). VCF-style: chr22-20727270-G-A. GRCh37 (hg19) VCF-style: chr22-21081558-G-A.
Other names: c.4808C>T, p.Thr1603Met (NM_001362862.2); c.4835C>T, p.Thr1612Met (NM_001362863.2); short protein forms T1603M, T1612M, T1634M.
Identifiers: ClinVar variation 3769936 (VCV003769936.1).